The following is an entry in ClinVar:

NM_000317.3(PTS):c.85A>T (p.Lys29Ter)

Gene: PTS (6-pyruvoyltetrahydropterin synthase; plus strand). Cytogenetic location: 11q23.1.
Variant type: single nucleotide variant.
Coding change: c.85A>T on transcript NM_000317.3 (MANE Select); coding-DNA position 85, A replaced by T.
Protein change: p.Lys29Ter; replaces lysine 29 with a stop codon.
Molecular consequence: nonsense.
Genome position (GRCh38, 1-based): chr11:112,228,595, A>T. VCF-style: chr11-112228595-A-T. GRCh37 (hg19) VCF-style: chr11-112099318-A-T.
Other names: short protein forms K29*.
Identifiers: ClinVar variation 2046210 (VCV002046210.4), dbSNP rs2496564107, ClinGen allele CA382626913.
Genomic context (GRCh38, chr11:112,228,595, plus strand): 5'-GAAGGGGGTTTGAATGTGATACTTGTGTCATGCTGACTTTTTTTTTTTTTTTTGGTCAGT[A>T]AATTTCTAAGTGATGAAGAAAACTTGAAACTGTTTGGGAAATGCAACAATCCAAATGGCC-3'

ClinVar aggregate classification (germline): Pathogenic (1 of 4 stars; one submission).

Conditions:
6-Pyruvoyl-tetrahydrobiopterin synthase deficiency. Also called: 6-Pyruvoyltetrahydropterin Synthase Deficiency; HYPERPHENYLALANINEMIA, TETRAHYDROBIOPTERIN-DEFICIENT, DUE TO PTS DEFICIENCY; Hyperphenylalanemia, BH4-deficient, A; Hyperphenylalaninemia due to 6-pyruvoyl-tetrahydropterin synthase deficiency; PTS-Related Tetrahydrobiopterin Deficiency; BH4-deficient hyperphenylalaninemia A. Identifiers: Orphanet 13, Orphanet 238583, MedGen C0878676, MONDO:0009863, OMIM 261640.

Submission:

Labcorp Genetics (formerly Invitae), Labcorp
Classification: Pathogenic for 6-Pyruvoyl-tetrahydrobiopterin synthase deficiency. Last evaluated: 2022-05-28. Review status: criteria provided, single submitter. Criteria: Invitae Variant Classification Sherloc (09022015). Collection method: clinical testing. Allele origin: germline.
Comment: This sequence change creates a premature translational stop signal (p.Lys29*) in the PTS gene. It is expected to result in an absent or disrupted protein product. Loss-of-function variants in PTS are known to be pathogenic (PMID: 3297709, 16917893). This variant is not present in population databases (gnomAD no frequency). This variant has not been reported in the literature in individuals affected with PTS-related conditions. For these reasons, this variant has been classified as Pathogenic.

Literature cited by the submitters: PubMed 3297709; PubMed 16917893.